The following is an entry in ClinVar:

NM_001853.4(COL9A3):c.17C>T (p.Ala6Val)

Gene: COL9A3 (collagen type IX alpha 3 chain; plus strand). Cytogenetic location: 20q13.33.
Variant type: single nucleotide variant.
Coding change: c.17C>T on transcript NM_001853.4 (MANE Select); coding-DNA position 17, C replaced by T.
Protein change: p.Ala6Val; replaces alanine 6 with valine.
Molecular consequence: missense variant.
Genome position (GRCh38, 1-based): chr20:62,817,081, C>T. VCF-style: chr20-62817081-C-T. GRCh37 (hg19) VCF-style: chr20-61448433-C-T.
Other names: short protein forms A6V.
Identifiers: ClinVar variation 1058937 (VCV001058937.9), dbSNP rs2147192927, ClinGen allele CA409586731.
Genomic context (GRCh38, chr20:62,817,081, plus strand): 5'-GCGCGCCGCCCGCCCCGACGCCGCAGCTCAGACTCCGCTCAGCCATGGCCGGGCCGCGCG[C>T]GTGCGCCCCGCTCCTGCTCCTGCTCCTGCTCGGGGAGCTTCTGGCGGCCGCCGGGGCGCA-3'
Protein context (NP_001844.3, residues 1-16): MAGPR[Ala6Val]CAPLLLLLLL

ClinVar aggregate classification (germline): Uncertain significance (1 of 4 stars; one submission).

Allele frequency attached by ClinVar (database versions not stated): gnomAD exomes below 0.00001.
gnomAD v4.1: 1 of 1,389,620 alleles (0.000072%); highest among the groups gnomAD compares: South Asian, 0.0014%; no homozygotes.

Submission:

Labcorp Genetics (formerly Invitae), Labcorp
Classification: Uncertain significance. Last evaluated: 2022-07-06. Review status: criteria provided, single submitter. Criteria: Invitae Variant Classification Sherloc (09022015). Collection method: clinical testing. Allele origin: germline.
Comment: This variant is not present in population databases (gnomAD no frequency). In summary, the available evidence is currently insufficient to determine the role of this variant in disease. Therefore, it has been classified as a Variant of Uncertain Significance. Advanced modeling of protein sequence and biophysical properties (such as structural, functional, and spatial information, amino acid conservation, physicochemical variation, residue mobility, and thermodynamic stability) performed at Invitae indicates that this missense variant is not expected to disrupt COL9A3 protein function. ClinVar contains an entry for this variant (Variation ID: 1058937). This variant has not been reported in the literature in individuals affected with COL9A3-related conditions. This sequence change replaces alanine, which is neutral and non-polar, with valine, which is neutral and non-polar, at codon 6 of the COL9A3 protein (p.Ala6Val).